The following is an entry in ClinVar:

NM_022482.5(GZF1):c.649C>T (p.Pro217Ser)

Gene: GZF1 (GDNF inducible zinc finger protein 1; plus strand). Cytogenetic location: 20p11.21.
Variant type: single nucleotide variant.
Coding change: c.649C>T on transcript NM_022482.5 (MANE Select); coding-DNA position 649, C replaced by T.
Protein change: p.Pro217Ser; replaces proline 217 with serine.
Molecular consequence: missense variant.
Genome position (GRCh38, 1-based): chr20:23,365,032, C>T. VCF-style: chr20-23365032-C-T. GRCh37 (hg19) VCF-style: chr20-23345669-C-T.
Other names: c.649C>T, p.Pro217Ser (NM_001317012.2, NM_001317019.1); short protein forms P217S.
Identifiers: ClinVar variation 1464000 (VCV001464000.6), dbSNP rs541736431, ClinGen allele CA408410023.

ClinVar aggregate classification (germline): Uncertain significance (1 of 4 stars; one submission).

gnomAD v4.1: 9 of 1,614,152 alleles (0.00056%); highest among the groups gnomAD compares: Non-Finnish European, 0.00076%; no homozygotes.

Submission:

Labcorp Genetics (formerly Invitae), Labcorp
Classification: Uncertain significance. Last evaluated: 2023-07-17. Review status: criteria provided, single submitter. Criteria: Invitae Variant Classification Sherloc (09022015). Collection method: clinical testing. Allele origin: germline.
Comment: In summary, the available evidence is currently insufficient to determine the role of this variant in disease. Therefore, it has been classified as a Variant of Uncertain Significance. An algorithm developed to predict the effect of missense changes on protein structure and function (PolyPhen-2) suggests that this variant is likely to be tolerated. ClinVar contains an entry for this variant (Variation ID: 1464000). This variant has not been reported in the literature in individuals affected with GZF1-related conditions. This variant is not present in population databases (gnomAD no frequency). This sequence change replaces proline, which is neutral and non-polar, with serine, which is neutral and polar, at codon 217 of the GZF1 protein (p.Pro217Ser).